The following is an entry in ClinVar:

NM_014233.4(UBTF):c.2170-7C>T

Genes: ATXN7L3-AS1 (ATXN7L3 antisense RNA 1; plus strand), UBTF (upstream binding transcription factor; minus strand). Cytogenetic location: 17q21.31.
Variant type: single nucleotide variant.
Coding change: c.2170-7C>T on transcript NM_014233.4 (MANE Select); 7 bases into the intron before coding-DNA position 2170, C replaced by T.
Molecular consequence: intron variant.
Genome position (GRCh38, 1-based): chr17:44,207,374, G>A on the plus strand (C>T on the coding strand, the complement: UBTF is on the minus strand). VCF-style: chr17-44207374-G-A. GRCh37 (hg19) VCF-style: chr17-42284742-G-A.
Other names: c.2059-7C>T (NM_001076683.2, NM_001076684.3).
Identifiers: ClinVar variation 3051246 (VCV003051246.4), dbSNP rs374024693, ClinGen allele CA8599210.

ClinVar aggregate classification (germline): Likely benign. Review status: criteria provided, single submitter (1 of 4 stars). 2 submissions from 2 submitters: Likely benign (1). 1 of the submissions does not count toward it. Last evaluated 2025-11-19.

Conditions:
UBTF-related disorder. Also called: UBTF-related condition.

Allele frequency attached by ClinVar (database versions not stated): ExAC 0.00003; gnomAD exomes 0.00003; gnomAD 0.00010; TOPMed 0.00012; ESP Exome Variant Server 0.00015.
gnomAD v4.1: 59 of 1,612,278 alleles (0.0037%); highest among the groups gnomAD compares: African/African-American, 0.021%; no homozygotes.

Submissions (2):

Women's Health and Genetics/Laboratory Corporation of America, LabCorp
Classification: Likely benign. Last evaluated: 2025-11-19. Review status: criteria provided, single submitter. Criteria: LabCorp Variant Classification Summary - May 2015. Collection method: clinical testing. Allele origin: germline.

PreventionGenetics, part of Exact Sciences
Classification: Likely benign for UBTF-related condition. Last evaluated: 2021-03-22. Review status: no assertion criteria provided. Collection method: clinical testing. Allele origin: germline. Not counted in ClinVar's aggregate classification.
Comment: This variant is classified as likely benign based on ACMG/AMP sequence variant interpretation guidelines (Richards et al. 2015 PMID: 25741868, with internal and published modifications).